The following is an entry in ClinVar:

ClinVar aggregate classification (germline): Uncertain significance (1 of 4 stars; one submission).

Allele frequency attached by ClinVar (database versions not stated): gnomAD exomes below 0.00001; ExAC 0.00001; ESP Exome Variant Server 0.00008.

Submission:

Labcorp Genetics (formerly Invitae), Labcorp
Classification: Uncertain significance. Last evaluated: 2020-04-29. Review status: criteria provided, single submitter. Criteria: Invitae Variant Classification Sherloc (09022015). Collection method: clinical testing. Allele origin: germline.
Comment: In summary, the available evidence is currently insufficient to determine the role of this variant in disease. Therefore, it has been classified as a Variant of Uncertain Significance. Algorithms developed to predict the effect of missense changes on protein structure and function output the following: SIFT: "Tolerated"; PolyPhen-2: "Benign"; Align-GVGD: "Class C0". The isoleucine amino acid residue is found in multiple mammalian species, suggesting that this missense change does not adversely affect protein function. These predictions have not been confirmed by published functional studies and their clinical significance is uncertain. This variant has not been reported in the literature in individuals with VCAN-related conditions. This variant is present in population databases (rs138840154, ExAC 0.01%). This sequence change replaces methionine with isoleucine at codon 611 of the VCAN protein (p.Met611Ile). The methionine residue is moderately conserved and there is a small physicochemical difference between methionine and isoleucine.

NM_004385.5(VCAN):c.1833G>A (p.Met611Ile)

Gene: VCAN (versican; plus strand). Cytogenetic location: 5q14.3.
Variant type: single nucleotide variant.
Coding change: c.1833G>A on transcript NM_004385.5 (MANE Select); coding-DNA position 1833, G replaced by A.
Protein change: p.Met611Ile; replaces methionine 611 with isoleucine.
Molecular consequence: missense variant. On other transcripts: intron variant (2).
Genome position (GRCh38, 1-based): chr5:83,520,139, G>A. VCF-style: chr5-83520139-G-A. GRCh37 (hg19) VCF-style: chr5-82815958-G-A.
Other names: c.1833G>A, p.Met611Ile (NM_001164098.2); c.1042+7743G>A (NM_001164097.2, NM_001126336.3); short protein forms M611I.
Identifiers: ClinVar variation 1063600 (VCV001063600.9), dbSNP rs138840154, ClinGen allele CA3332736.
Genomic context (GRCh38, chr5:83,520,139, plus strand): 5'-CACTCATTTAGAAGACTTGGAGTCAGTCTCAGCATCCACAACTGTTTCCCCTTTAATTAT[G>A]CCTGATAATAATGGATCATCCATGGATGACTGGGAAGAGAGACAAACTAGTGGTAGGATA-3'
Protein context (NP_004376.2, residues 601-621): SASTTVSPLI[Met611Ile]PDNNGSSMDD